The following is an entry in ClinVar:

ClinVar aggregate classification (germline): Conflicting classifications of pathogenicity. Review status: criteria provided, conflicting classifications (1 of 4 stars). 2 submissions from 2 submitters: Uncertain significance (1); Likely benign (1). Last evaluated 2024-04-29.

Conditions:
Catecholaminergic polymorphic ventricular tachycardia 1. Also called: VENTRICULAR TACHYCARDIA, CATECHOLAMINERGIC POLYMORPHIC, 1, WITH OR WITHOUT ATRIAL DYSFUNCTION AND/OR DILATED CARDIOMYOPATHY; VENTRICULAR TACHYCARDIA, STRESS-INDUCED POLYMORPHIC 1; RYR2-Related Catecholaminergic Polymorphic Ventricular Tachycardia. Identifiers: Orphanet 3286, MedGen C1631597, MONDO:0011484, OMIM 604772.
Cardiomyopathy (CMYO). Also called: Cardiomyopathies. Identifiers: Orphanet 167848, MedGen C0878544, MONDO:0004994, HP:0001638. Inheritance: Various modes of inheritance.

Submissions (2):

Color Diagnostics, LLC DBA Color Health
Classification: Uncertain significance for Cardiomyopathy. Last evaluated: 2024-04-29. Review status: criteria provided, single submitter. Criteria: ACMG Guidelines, 2015. Collection method: clinical testing. Allele origin: germline.
Comment: This variant causes a deletion of two nucleotides in intron 72 of the RYR2 gene. To our knowledge, functional RNA studies have not been reported for this variant. This variant has not been reported in individuals affected with RYR2-related disorders in the literature. This variant has been identified in 1/235662 chromosomes in the general population by the Genome Aggregation Database (gnomAD). The available evidence is insufficient to determine the role of this variant in disease conclusively. Therefore, this variant is classified as a Variant of Uncertain Significance.

Labcorp Genetics (formerly Invitae), Labcorp
Classification: Likely benign for Catecholaminergic polymorphic ventricular tachycardia 1. Last evaluated: 2023-04-06. Review status: criteria provided, single submitter. Criteria: Invitae Variant Classification Sherloc (09022015). Collection method: clinical testing. Allele origin: germline.

NM_001035.3(RYR2):c.10494+8_10494+9del

Gene: RYR2 (ryanodine receptor 2; plus strand). Cytogenetic location: 1q43.
Variant type: Microsatellite.
Coding change: c.10494+8_10494+9del on transcript NM_001035.3 (MANE Select); bases 8 to 9 of the intron after coding-DNA position 10494, 2 bases deleted (TC; older notation c.10494+8_10494+9delTC).
Molecular consequence: intron variant.
Genome position (GRCh38, 1-based): chr1:237,717,376-237,717,377, TC deleted; deleting any 2 consecutive bases within chr1:237,717,374-237,717,377 gives the same sequence; the c. name uses the placement nearest the transcript's 3' end. VCF-style (leftmost placement, unchanged base first): chr1-237717373-GTC-G. GRCh37 (hg19) VCF-style: chr1-237880673-GTC-G.
Identifiers: ClinVar variation 1084810 (VCV001084810.11), dbSNP rs760691531, ClinGen allele CA084345.